The following is an entry in ClinVar:

NM_024782.3(NHEJ1):c.448G>A (p.Val150Met)

Gene: NHEJ1 (non-homologous end joining factor 1; minus strand). Cytogenetic location: 2q35.
Variant type: single nucleotide variant.
Coding change: c.448G>A on transcript NM_024782.3 (MANE Select); coding-DNA position 448, G replaced by A.
Protein change: p.Val150Met; replaces valine 150 with methionine.
Molecular consequence: missense variant. On other transcripts: non-coding transcript variant (1).
Genome position (GRCh38, 1-based): chr2:219,147,738, C>T on the plus strand (G>A on the coding strand, the complement: NHEJ1 is on the minus strand). VCF-style: chr2-219147738-C-T. GRCh37 (hg19) VCF-style: chr2-220012460-C-T.
Other names: c.448G>A, p.Val150Met (NM_001377498.1, NM_001377499.1); short protein forms V150M.
Identifiers: ClinVar variation 1512757 (VCV001512757.7), dbSNP rs758387082, ClinGen allele CA2116985.

ClinVar aggregate classification (germline): Uncertain significance (1 of 4 stars; one submission).

Conditions:
Cernunnos-XLF deficiency (IMD124). Also called: Severe combined immunodeficiency with sensitivity to ionizing radiation due to NHEJ1 deficiency; SCID, autosomal recessive, T cell-negative, B cell-negative, NK cell-positive, and sensitivity to ionizing radiation due to NHEJ1 deficiency; IMMUNODEFICIENCY 124, SEVERE COMBINED; SCID, AUTOSOMAL RECESSIVE, T CELL-NEGATIVE, B CELL-NEGATIVE, NK CELL-POSITIVE, WITH MICROCEPHALY, GROWTH RETARDATION, AND SENSITIVITY TO IONIZING RADIATION; NHEJ1 SYNDROME. Identifiers: Orphanet 169079, MedGen C1969799, MONDO:0012650, OMIM 611291.

Allele frequency attached by ClinVar (database versions not stated): gnomAD exomes below 0.00001 and 0.00002; ExAC 0.00001.
gnomAD v4.1: 5 of 1,614,190 alleles (0.00031%); highest among the groups gnomAD compares: African/African-American, 0.0013%; no homozygotes.

Submission:

Labcorp Genetics (formerly Invitae), Labcorp
Classification: Uncertain significance for Cernunnos-XLF deficiency. Last evaluated: 2024-12-09. Review status: criteria provided, single submitter. Criteria: Invitae Variant Classification Sherloc (09022015). Collection method: clinical testing. Allele origin: germline.
Comment: This sequence change replaces valine, which is neutral and non-polar, with methionine, which is neutral and non-polar, at codon 150 of the NHEJ1 protein (p.Val150Met). This variant is present in population databases (rs758387082, gnomAD 0.01%). This variant has not been reported in the literature in individuals affected with NHEJ1-related conditions. ClinVar contains an entry for this variant (Variation ID: 1512757). Invitae Evidence Modeling of protein sequence and biophysical properties (such as structural, functional, and spatial information, amino acid conservation, physicochemical variation, residue mobility, and thermodynamic stability) has been performed for this missense variant. However, the output from this modeling did not meet the statistical confidence thresholds required to predict the impact of this variant on NHEJ1 protein function. In summary, the available evidence is currently insufficient to determine the role of this variant in disease. Therefore, it has been classified as a Variant of Uncertain Significance.